The following is an entry in ClinVar:

NM_001401501.2(MUC16):c.33336A>G (p.Ser11112=)

Gene: MUC16 (mucin 16, cell surface associated; minus strand). Cytogenetic location: 19p13.2.
Variant type: single nucleotide variant.
Coding change: c.33336A>G on transcript NM_001401501.2 (MANE Select); coding-DNA position 33336, A replaced by G.
Protein change: p.Ser11112=; no amino-acid change (serine 11112 retained).
Molecular consequence: synonymous variant.
Genome position (GRCh38, 1-based): chr19:8,937,739, T>C on the plus strand (A>G on the coding strand, the complement: MUC16 is on the minus strand). VCF-style: chr19-8937739-T-C. GRCh37 (hg19) VCF-style: chr19-9048415-T-C.
Other names: c.33762A>G, p.Ser11254= (NM_001414686.1); c.33216A>G, p.Ser11072= (NM_001414687.1, NM_024690.2).
Identifiers: ClinVar variation 2649232 (VCV002649232.24), dbSNP rs2044813508, ClinGen allele CA505434929.

ClinVar aggregate classification (germline): Likely benign (1 of 4 stars; one submission).

Submission:

CeGaT Center for Human Genetics Tuebingen
Classification: Likely benign. Last evaluated: 2022-06-01. Review status: criteria provided, single submitter. Criteria: CeGaT Center For Human Genetics Tuebingen Variant Classification Criteria Version 2. Collection method: clinical testing. Allele origin: germline. Affected: yes. Observed: 1 variant allele.
Comment: MUC16: BP4, BP7